The following is an entry in ClinVar:

NM_001377265.1(MAPT):c.1982A>T (p.Gln661Leu)

Gene: MAPT (microtubule associated protein tau). Cytogenetic location: 17q21.31.
Variant type: single nucleotide variant.
Coding change: c.1982A>T on transcript NM_001377265.1 (MANE Select); coding-DNA position 1982, A replaced by T.
Protein change: p.Gln661Leu; replaces glutamine 661 with leucine.
Molecular consequence: missense variant. On other transcripts: non-coding transcript variant (1).
Genome position (GRCh38, 1-based): chr17:45,996,648, A>T. VCF-style: chr17-45996648-A-T. GRCh37 (hg19) VCF-style: chr17-44074014-A-T.
Other names: c.1811A>T, p.Gln604Leu (NM_001123066.4); c.719A>T, p.Gln240Leu (NM_001123067.4, NM_001203251.2, NM_001377267.1); c.806A>T, p.Gln269Leu (NM_001203252.2, NM_005910.6); c.1784A>T, p.Gln595Leu (NM_001377266.1); c.632A>T, p.Gln211Leu (NM_001377268.1, NM_016834.5, NM_016841.5); c.1757A>T, p.Gln586Leu (NM_016835.5); short protein forms Q586L, Q604L, Q211L, Q240L, Q269L, Q661L, Q595L.
Identifiers: ClinVar variation 954171 (VCV000954171.10), dbSNP rs2074495003, ClinGen allele CA399978449.

ClinVar aggregate classification (germline): Uncertain significance (1 of 4 stars; one submission).

Conditions:
Frontotemporal dementia (FTD1). Also called: WILHELMSEN-LYNCH DISEASE; Frontotemporal Dementia with Parkinsonism-17 (FTDP-17); MULTIPLE SYSTEM TAUOPATHY WITH PRESENILE DEMENTIA; FRONTOTEMPORAL LOBAR DEGENERATION WITH TAU INCLUSIONS; FTLD WITH TAU INCLUSIONS; FRONTOTEMPORAL DEMENTIA WITH PARKINSONISM. Identifiers: Orphanet 282, MedGen C0338451, MONDO:0017276, OMIM 600274, HP:0002145.

Allele frequency attached by ClinVar (database versions not stated): gnomAD exomes below 0.00001.
gnomAD v4.1: 1 of 1,613,824 alleles (0.000062%); highest among the groups gnomAD compares: Non-Finnish European, 0.000085%; no homozygotes.

Submission:

Labcorp Genetics (formerly Invitae), Labcorp
Classification: Uncertain significance for Frontotemporal dementia. Last evaluated: 2019-10-02. Review status: criteria provided, single submitter. Criteria: Invitae Variant Classification Sherloc (09022015). Collection method: clinical testing. Allele origin: germline.
Comment: Algorithms developed to predict the effect of missense changes on protein structure and function (SIFT, PolyPhen-2, Align-GVGD) all suggest that this variant is likely to be disruptive, but these predictions have not been confirmed by published functional studies and their clinical significance is uncertain. In summary, the available evidence is currently insufficient to determine the role of this variant in disease. Therefore, it has been classified as a Variant of Uncertain Significance. This variant has not been reported in the literature in individuals with MAPT-related conditions. This variant is not present in population databases (ExAC no frequency). This sequence change replaces glutamine with leucine at codon 269 of the MAPT protein (p.Gln269Leu). The glutamine residue is highly conserved and there is a moderate physicochemical difference between glutamine and leucine.